The following is an entry in ClinVar:

ClinVar aggregate classification (germline): Conflicting classifications of pathogenicity. Review status: criteria provided, conflicting classifications (1 of 4 stars). 4 submissions from 4 submitters: Uncertain significance (3); Likely benign (1). Last evaluated 2022-03-04.

Conditions:
Inborn genetic diseases. Identifiers: MedGen C0950123, MeSH D030342.
Leigh syndrome (NULS). Also called: Subacute necrotizing encephalopathy; Necrotizing encephalopathy infantile subacute of Leigh; Leigh's syndrome; Leigh Disease; LEIGH SYNDROME, NUCLEAR; Leigh's necrotizing encephalopathy. Identifiers: Orphanet 506, MedGen C2931891, MONDO:0009723, OMIM 256000.

Allele frequency attached by ClinVar (database versions not stated): gnomAD 0.00003 and 0.00004; ExAC 0.00005; gnomAD exomes 0.00005 and 0.00009; TOPMed 0.00007.
gnomAD v4.1: 77 of 1,614,016 alleles (0.0048%); highest among the groups gnomAD compares: Non-Finnish European, 0.00068%; no homozygotes.

Submissions (4):

Labcorp Genetics (formerly Invitae), Labcorp
Classification: Uncertain significance. Last evaluated: 2022-03-04. Review status: criteria provided, single submitter. Criteria: Invitae Variant Classification Sherloc (09022015). Collection method: clinical testing. Allele origin: germline.
Comment: This sequence change replaces arginine, which is basic and polar, with lysine, which is basic and polar, at codon 55 of the COX15 protein (p.Arg55Lys). This variant is present in population databases (rs777532861, gnomAD 0.2%). This variant has not been reported in the literature in individuals affected with COX15-related conditions. ClinVar contains an entry for this variant (Variation ID: 214255). Algorithms developed to predict the effect of missense changes on protein structure and function output the following: SIFT: "Not Available"; PolyPhen-2: "Benign"; Align-GVGD: "Not Available". The lysine amino acid residue is found in multiple mammalian species, which suggests that this missense change does not adversely affect protein function. In summary, the available evidence is currently insufficient to determine the role of this variant in disease. Therefore, it has been classified as a Variant of Uncertain Significance.

Ambry Genetics
Classification: Uncertain significance for Inborn genetic diseases. Last evaluated: 2020-11-05. Review status: criteria provided, single submitter. Criteria: Ambry Variant Classification Scheme 2023. Collection method: clinical testing. Allele origin: germline.
Comment: The c.164G>A (p.R55K) alteration is located in exon 2 (coding exon 2) of the COX15 gene. This alteration results from a G to A substitution at nucleotide position 164, causing the arginine (R) at amino acid position 55 to be replaced by a lysine (K). Based on data from the Genome Aggregation Database (gnomAD) database, the COX15 c.164G>A alteration was observed in 0.01% (23/282860) of total alleles studied, with a frequency of 0.2% (21/10370) in the Ashkenazi Jewish subpopulation. This amino acid position is not well conserved in available vertebrate species. The p.R55K alteration is predicted to be tolerated by in silico analysis. Based on insufficient or conflicting evidence, the clinical significance of this alteration remains unclear.

Illumina Laboratory Services, Illumina
Classification: Uncertain significance for Leigh syndrome. Last evaluated: 2018-01-12. Review status: criteria provided, single submitter. Criteria: ICSL Variant Classification Criteria 13 December 2019. Collection method: clinical testing. Allele origin: germline.

GeneDx
Classification: Likely benign. Last evaluated: 2012-02-09. Review status: criteria provided, single submitter. Criteria: GeneDx Variant Classification (06012015). Collection method: clinical testing. Allele origin: germline. Affected: yes.
Comment: This variant is considered likely benign or benign based on one or more of the following criteria: it is a conservative change, it occurs at a poorly conserved position in the protein, it is predicted to be benign by multiple in silico algorithms, and/or has population frequency not consistent with disease.

NM_078470.6(COX15):c.164G>A (p.Arg55Lys)

Gene: COX15 (cytochrome c oxidase assembly factor COX15; minus strand). Cytogenetic location: 10q24.2.
Variant type: single nucleotide variant.
Coding change: c.164G>A on transcript NM_078470.6 (MANE Select); coding-DNA position 164, G replaced by A.
Protein change: p.Arg55Lys; replaces arginine 55 with lysine.
Molecular consequence: missense variant. On other transcripts: 5 prime UTR variant (1), non-coding transcript variant (1).
Genome position (GRCh38, 1-based): chr10:99,729,661, C>T on the plus strand (G>A on the coding strand, the complement: COX15 is on the minus strand). VCF-style: chr10-99729661-C-T. GRCh37 (hg19) VCF-style: chr10-101489418-C-T.
Other names: p.R55K:AGG>AAG; c.164G>A, p.Arg55Lys (NM_001320974.2, NM_001320975.2, NM_001372024.1 and 5 more transcripts); c.-291G>A (NM_001320976.2); short protein forms R55K.
Identifiers: ClinVar variation 214255 (VCV000214255.7), dbSNP rs777532861, ClinGen allele CA321735.